The following is an entry in ClinVar:

NM_006494.4(ERF):c.935G>A (p.Arg312Gln)

Gene: ERF (ETS2 repressor factor; minus strand). Cytogenetic location: 19q13.2.
Variant type: single nucleotide variant.
Coding change: c.935G>A on transcript NM_006494.4 (MANE Select); coding-DNA position 935, G replaced by A.
Protein change: p.Arg312Gln; replaces arginine 312 with glutamine.
Molecular consequence: missense variant.
Genome position (GRCh38, 1-based): chr19:42,249,177, C>T on the plus strand (G>A on the coding strand, the complement: ERF is on the minus strand). VCF-style: chr19-42249177-C-T. GRCh37 (hg19) VCF-style: chr19-42753329-C-T.
Other names: c.710G>A, p.Arg237Gln (NM_001301035.2, NM_001308402.2, NM_001312656.2); short protein forms R237Q, R312Q.
Identifiers: ClinVar variation 3276321 (VCV003276321.2).

ClinVar aggregate classification (germline): Uncertain significance. Review status: criteria provided, multiple submitters, no conflicts (2 of 4 stars). 2 submissions from 2 submitters: Uncertain significance (2). Last evaluated 2025-01-10.

Conditions:
Inborn genetic diseases. Identifiers: MedGen C0950123, MeSH D030342.

gnomAD v4.1: 19 of 1,613,676 alleles (0.0012%); highest among the groups gnomAD compares: Admixed American, 0.0017%; no homozygotes.

Submissions (2):

Department of Medical Genetics, Tohoku University School of Medicine
Classification: Uncertain significance. Last evaluated: 2025-01-10. Review status: criteria provided, single submitter. Criteria: ACMG Guidelines, 2015. Collection method: research. Allele origin: inherited.
Comment: The allele frequency was 0.00006146 in gnomAD 4.1. Multiple lines of computational prediction suggest benign. BP4

Ambry Genetics
Classification: Uncertain significance for Inborn genetic diseases. Last evaluated: 2024-05-14. Review status: criteria provided, single submitter. Criteria: Ambry Variant Classification Scheme 2023. Collection method: clinical testing. Allele origin: germline.